The following is an entry in ClinVar:

ClinVar aggregate classification (germline): Uncertain significance. Review status: criteria provided, multiple submitters, no conflicts (2 of 4 stars). 2 submissions from 2 submitters: Uncertain significance (2). Last evaluated 2025-07-27.

Conditions:
Inborn genetic diseases. Identifiers: MedGen C0950123, MeSH D030342.
Fibrous dysplasia of jaw (CRBM). Also called: Cherubism. Identifiers: Orphanet 184, MedGen C0008029, MONDO:0007315, OMIM 118400.

Allele frequency attached by ClinVar (database versions not stated): gnomAD exomes below 0.00001; TOPMed below 0.00001; gnomAD 0.00001.
gnomAD v4.1: 1 of 1,612,720 alleles (0.000062%); highest among the groups gnomAD compares: African/African-American, 0.0013%; no homozygotes.

Submissions (2):

Labcorp Genetics (formerly Invitae), Labcorp
Classification: Uncertain significance for Fibrous dysplasia of jaw. Last evaluated: 2025-07-27. Review status: criteria provided, single submitter. Criteria: Invitae Variant Classification Sherloc (09022015). Collection method: clinical testing. Allele origin: germline.
Comment: This sequence change replaces proline, which is neutral and non-polar, with serine, which is neutral and polar, at codon 266 of the SH3BP2 protein (p.Pro266Ser). This variant is present in population databases (no rsID available, gnomAD 0.007%). This variant has not been reported in the literature in individuals affected with SH3BP2-related conditions. ClinVar contains an entry for this variant (Variation ID: 1367387). Invitae Evidence Modeling of protein sequence and biophysical properties (such as structural, functional, and spatial information, amino acid conservation, physicochemical variation, residue mobility, and thermodynamic stability) indicates that this missense variant is not expected to disrupt SH3BP2 protein function with a negative predictive value of 80%. In summary, the available evidence is currently insufficient to determine the role of this variant in disease. Therefore, it has been classified as a Variant of Uncertain Significance.

Ambry Genetics
Classification: Uncertain significance for Inborn genetic diseases. Last evaluated: 2024-10-01. Review status: criteria provided, single submitter. Criteria: Ambry Variant Classification Scheme 2023. Collection method: clinical testing. Allele origin: germline.

NM_001122681.2(SH3BP2):c.796C>T (p.Pro266Ser)

Gene: SH3BP2 (SH3 domain binding protein 2; plus strand). Cytogenetic location: 4p16.3.
Variant type: single nucleotide variant.
Coding change: c.796C>T on transcript NM_001122681.2 (MANE Select); coding-DNA position 796, C replaced by T.
Protein change: p.Pro266Ser; replaces proline 266 with serine.
Molecular consequence: missense variant.
Genome position (GRCh38, 1-based): chr4:2,829,702, C>T. VCF-style: chr4-2829702-C-T. GRCh37 (hg19) VCF-style: chr4-2831429-C-T.
Other names: c.880C>T, p.Pro294Ser (NM_001145855.2); c.967C>T, p.Pro323Ser (NM_001145856.2); c.796C>T, p.Pro266Ser (NM_003023.4); short protein forms P323S, P294S, P266S.
Identifiers: ClinVar variation 1367387 (VCV001367387.9), dbSNP rs1418589091, ClinGen allele CA356056146.
Genomic context (GRCh38, chr4:2,829,702, plus strand): 5'-GATGTTGGCCTGGCTGCTGAGGACTCCAAGAGGGACCCACTGTGCCCGAGGCGGGCTGAG[C>T]CTTGCCCCAGGGTACCTGCTACCCCCCGAAGGATGAGCGATCCCCCTCTGAGCACCATGC-3'
Protein context (NP_001116153.1, residues 256-276): RDPLCPRRAE[Pro266Ser]CPRVPATPRR